The following is an entry in ClinVar:

ClinVar aggregate classification (germline): Uncertain significance (1 of 4 stars; one submission).

gnomAD v4.1: 8 of 1,613,946 alleles (0.0005%); highest among the groups gnomAD compares: African/African-American, 0.0013%; no homozygotes.

Submission:

GeneDx
Classification: Uncertain significance. Last evaluated: 2024-04-25. Review status: criteria provided, single submitter. Criteria: GeneDx Variant Classification Process June 2021. Collection method: clinical testing. Allele origin: germline. Affected: yes.
Comment: Not observed at significant frequency in large population cohorts (gnomAD); In silico analysis supports that this missense variant has a deleterious effect on protein structure/function; Has not been previously published as pathogenic or benign to our knowledge

NM_005909.5(MAP1B):c.1173G>T (p.Leu391Phe)

Gene: MAP1B (microtubule associated protein 1B; plus strand). Cytogenetic location: 5q13.2.
Variant type: single nucleotide variant.
Coding change: c.1173G>T on transcript NM_005909.5 (MANE Select); coding-DNA position 1173, G replaced by T.
Protein change: p.Leu391Phe; replaces leucine 391 with phenylalanine.
Molecular consequence: missense variant.
Genome position (GRCh38, 1-based): chr5:72,194,528, G>T. VCF-style: chr5-72194528-G-T. GRCh37 (hg19) VCF-style: chr5-71490355-G-T.
Other names: c.795G>T, p.Leu265Phe (NM_001324255.2); short protein forms L265F, L391F.
Identifiers: ClinVar variation 3373016 (VCV003373016.1).